The following is an entry in ClinVar:

ClinVar aggregate classification (germline): Uncertain significance (1 of 4 stars; one submission).

Submission:

GeneDx
Classification: Uncertain significance. Last evaluated: 2025-05-23. Review status: criteria provided, single submitter. Criteria: GeneDx Variant Classification Process June 2021. Collection method: clinical testing. Allele origin: germline. Affected: yes.
Comment: Not observed at significant frequency in large population cohorts (gnomAD); In silico analysis supports that this missense variant has a deleterious effect on protein structure/function; Has not been previously published as pathogenic or benign to our knowledge

NM_002448.3(MSX1):c.617C>A (p.Ser206Tyr)

Gene: MSX1 (msh homeobox 1; plus strand). Cytogenetic location: 4p16.2.
Variant type: single nucleotide variant.
Coding change: c.617C>A on transcript NM_002448.3 (MANE Select); coding-DNA position 617, C replaced by A.
Protein change: p.Ser206Tyr; replaces serine 206 with tyrosine.
Molecular consequence: missense variant.
Genome position (GRCh38, 1-based): chr4:4,862,848, C>A. VCF-style: chr4-4862848-C-A. GRCh37 (hg19) VCF-style: chr4-4864575-C-A.
Other names: short protein forms S206Y.
Identifiers: ClinVar variation 4530752 (VCV004530752.1).